The following is an entry in ClinVar:

ClinVar aggregate classification (germline): Uncertain significance. Review status: criteria provided, multiple submitters, no conflicts (2 of 4 stars). 2 submissions from 2 submitters: Uncertain significance (2). Last evaluated 2025-08-12.

Conditions:
Inborn genetic diseases. Identifiers: MedGen C0950123, MeSH D030342.

gnomAD v4.1: 113 of 1,613,350 alleles (0.007%); highest among the groups gnomAD compares: Non-Finnish European, 0.0093%; no homozygotes.

Submissions (2):

GeneDx
Classification: Uncertain significance. Last evaluated: 2025-08-12. Review status: criteria provided, single submitter. Criteria: GeneDx Variant Classification Process June 2021. Collection method: clinical testing. Allele origin: germline. Affected: yes.
Comment: In silico analysis suggests that this missense variant does not alter protein structure/function; Has not been previously published as pathogenic or benign to our knowledge

Ambry Genetics
Classification: Uncertain significance for Inborn genetic diseases. Last evaluated: 2024-10-28. Review status: criteria provided, single submitter. Criteria: Ambry Variant Classification Scheme 2023. Collection method: clinical testing. Allele origin: germline.

NM_001366722.1(GRIP1):c.2977G>A (p.Glu993Lys)

Gene: GRIP1 (glutamate receptor interacting protein 1; minus strand). Cytogenetic location: 12q14.3.
Variant type: single nucleotide variant.
Coding change: c.2977G>A on transcript NM_001366722.1 (MANE Select); coding-DNA position 2977, G replaced by A.
Protein change: p.Glu993Lys; replaces glutamic acid 993 with lysine.
Molecular consequence: missense variant.
Genome position (GRCh38, 1-based): chr12:66,371,729, C>T on the plus strand (G>A on the coding strand, the complement: GRIP1 is on the minus strand). VCF-style: chr12-66371729-C-T. GRCh37 (hg19) VCF-style: chr12-66765509-C-T.
Other names: c.2776G>A, p.Glu926Lys (NM_001178074.2, NM_001379351.1); c.2896G>A, p.Glu966Lys (NM_001366723.1); c.2899G>A, p.Glu967Lys (NM_001366724.1); c.3055G>A, p.Glu1019Lys (NM_001379345.1); c.2932G>A, p.Glu978Lys (NM_001379346.1); c.2854G>A, p.Glu952Lys (NM_001379347.1); c.2851G>A, p.Glu951Lys (NM_001379348.1); c.2824G>A, p.Glu942Lys (NM_001379349.1); and 1 more; short protein forms E951K, E952K, E942K, E967K, E941K, E966K, E978K, E1019K.
Identifiers: ClinVar variation 3522784 (VCV003522784.2).